The following is an entry in ClinVar:

NM_006662.3(SRCAP):c.3302C>A (p.Thr1101Lys)

Gene: SRCAP (Snf2 related CREBBP activator protein; plus strand). Cytogenetic location: 16p11.2.
Variant type: single nucleotide variant.
Coding change: c.3302C>A on transcript NM_006662.3 (MANE Select); coding-DNA position 3302, C replaced by A.
Protein change: p.Thr1101Lys; replaces threonine 1101 with lysine.
Molecular consequence: missense variant.
Genome position (GRCh38, 1-based): chr16:30,721,237, C>A. VCF-style: chr16-30721237-C-A. GRCh37 (hg19) VCF-style: chr16-30732558-C-A.
Other names: short protein forms T1101K.
Identifiers: ClinVar variation 260017 (VCV000260017.47), dbSNP rs149248373, ClinGen allele CA8011463.

ClinVar aggregate classification (germline): Benign/Likely benign. Review status: criteria provided, multiple submitters, no conflicts (2 of 4 stars). 9 submissions from 9 submitters: Benign (3); Likely benign (6). Last evaluated 2026-07-01.

Conditions:
Floating-Harbor syndrome (FLHS). Also called: SRCAP-Related Floating-Harbor Syndrome; Short stature with delayed bone age, expressive language delay, a triangular face with a prominent nose and deep-set eyes; Pelletier-Leisti syndrome. Identifiers: Orphanet 2044, MedGen C0729582, MONDO:0007621, OMIM 136140.

Allele frequency attached by ClinVar (database versions not stated): 1000 Genomes Project 30x 0.00156; 1000 Genomes Project 0.00180; TOPMed 0.00543; gnomAD 0.00571; ESP Exome Variant Server 0.00616.
gnomAD v4.1: 11,823 of 1,613,894 alleles (0.73%); highest among the groups gnomAD compares: Non-Finnish European, 0.88%; 62 homozygotes.

Submissions (9):

CeGaT Center for Human Genetics Tuebingen
Classification: Likely benign. Last evaluated: 2026-07-01. Review status: criteria provided, single submitter. Criteria: CeGaT Center For Human Genetics Tuebingen Variant Classification Criteria Version 2. Collection method: clinical testing. Allele origin: germline. Affected: yes. Observed: 30 variant alleles.
Comment: SRCAP: BP4, BS2

Women's Health and Genetics/Laboratory Corporation of America, LabCorp
Classification: Likely benign. Last evaluated: 2026-05-11. Review status: criteria provided, single submitter. Criteria: LabCorp Variant Classification Summary - May 2015. Collection method: clinical testing. Allele origin: germline.

Labcorp Genetics (formerly Invitae), Labcorp
Classification: Benign. Last evaluated: 2026-02-04. Review status: criteria provided, single submitter. Criteria: Invitae Variant Classification Sherloc (09022015). Collection method: clinical testing. Allele origin: germline.

Blueprint Genetics
Classification: Likely benign. Last evaluated: 2024-11-22. Review status: criteria provided, single submitter. Criteria: ACMG Guidelines, 2015. Collection method: clinical testing. Allele origin: germline.

Mendelics
Classification: Likely benign for Floating-Harbor syndrome. Last evaluated: 2019-05-28. Review status: criteria provided, single submitter. Criteria: Mendelics Assertion Criteria 2017. Collection method: clinical testing. Allele origin: unknown.

Center for Pediatric Genomic Medicine, Children's Mercy Hospital and Clinics
Classification: Benign. Last evaluated: 2017-01-26. Review status: criteria provided, single submitter. Criteria: ACMG Guidelines, 2015. Collection method: clinical testing. Allele origin: germline.

Eurofins Ntd Llc (ga)
Classification: Benign. Last evaluated: 2016-08-31. Review status: criteria provided, single submitter. Criteria: EGL Classification Definitions 2015. Collection method: clinical testing. Allele origin: germline. Observed: 1 variant allele, 1 heterozygote.

Breakthrough Genomics
Classification: Likely benign. Review status: criteria provided, single submitter. Criteria: ACMG Guidelines, 2015. Collection method: not provided. Allele origin: germline. Inheritance: Autosomal dominant inheritance. Affected: yes.

PreventionGenetics, part of Exact Sciences
Classification: Likely benign. Review status: criteria provided, single submitter. Criteria: ACMG Guidelines, 2015. Collection method: clinical testing. Allele origin: germline.